The following is an entry in ClinVar:

ClinVar aggregate classification (germline): Pathogenic (1 of 4 stars; one submission).

Conditions:
Early-infantile DEE. Also called: Early infantile epileptic encephalopathy with suppression bursts; Early infantile epileptic encephalopathy; Ohtahara syndrome. Identifiers: Orphanet 1934, MedGen C0393706, MONDO:0800491.

Submission:

Labcorp Genetics (formerly Invitae), Labcorp
Classification: Pathogenic for Early-infantile DEE. Last evaluated: 2022-08-09. Review status: criteria provided, single submitter. Criteria: Invitae Variant Classification Sherloc (09022015). Collection method: clinical testing. Allele origin: germline.
Comment: This variant has not been reported in the literature in individuals affected with SCN1A-related conditions. ClinVar contains an entry for this variant (Variation ID: 1451592). For these reasons, this variant has been classified as Pathogenic. This variant is not present in population databases (gnomAD no frequency). This sequence change creates a premature translational stop signal (p.Phe1105Ilefs*19) in the SCN1A gene. It is expected to result in an absent or disrupted protein product. Loss-of-function variants in SCN1A are known to be pathogenic (PMID: 17347258, 18930999).

Literature cited by the submitters: PubMed 17347258; PubMed 18930999.

NM_001165963.4(SCN1A):c.3311dup (p.Phe1105fs)

Genes: SCN1A (sodium voltage-gated channel alpha subunit 1; minus strand), LOC102724058 (uncharacterized LOC102724058; plus strand). Cytogenetic location: 2q24.3.
Variant type: Duplication.
Coding change: c.3311dup on transcript NM_001165963.4 (MANE Select); coding-DNA position 3311, one base duplicated (C; older notation c.3311dupC).
Protein change: p.Phe1105fs; shifts the reading frame from phenylalanine 1105.
Molecular consequence: frameshift variant. On other transcripts: non-coding transcript variant (2).
Genome position (GRCh38, 1-based): chr2:166,036,166, G duplicated on the plus strand (C on the coding strand, the reverse complement: SCN1A is on the minus strand). VCF-style (leftmost placement, unchanged base first): chr2-166036165-T-TG. GRCh37 (hg19) VCF-style: chr2-166892675-T-TG.
Other names: c.3227dup, p.Phe1077fs (NM_001165964.3, NM_001353957.2, NM_001353958.2); c.3311dup, p.Phe1105fs (NM_001202435.3, NM_001353948.2); c.3278dup, p.Phe1094fs (NM_001353949.2, NM_001353950.2, NM_001353951.2 and 2 more transcripts); c.3275dup, p.Phe1093fs (NM_001353954.2, NM_001353955.2); c.3224dup, p.Phe1076fs (NM_001353960.2); c.869dup, p.Phe291fs (NM_001353961.2); short protein forms F291fs, F1076fs, F1093fs, F1094fs, F1105fs, F1077fs.
Identifiers: ClinVar variation 1451592 (VCV001451592.7), dbSNP rs2105794174, ClinGen allele CA2573133489.